The following is an entry in ClinVar:

NM_007194.4(CHEK2):c.281C>T (p.Ala94Val)

Gene: CHEK2 (checkpoint kinase 2; minus strand). Cytogenetic location: 22q12.1.
Variant type: single nucleotide variant.
Coding change: c.281C>T on transcript NM_007194.4 (MANE Select); coding-DNA position 281, C replaced by T.
Protein change: p.Ala94Val; replaces alanine 94 with valine.
Molecular consequence: missense variant.
Genome position (GRCh38, 1-based): chr22:28,734,441, G>A on the plus strand (C>T on the coding strand, the complement: CHEK2 is on the minus strand). VCF-style: chr22-28734441-G-A. GRCh37 (hg19) VCF-style: chr22-29130429-G-A.
Other names: c.281C>T, p.Ala94Val (NM_001005735.3, NM_001349956.3, NM_145862.3); c.-497C>T (NM_001257387.3); short protein forms A94V.
Identifiers: ClinVar variation 942408 (VCV000942408.10), dbSNP rs2054313946, ClinGen allele CA411090387.

ClinVar aggregate classification (germline): Uncertain significance (1 of 4 stars; one submission).

Conditions:
Familial cancer of breast. Also called: hereditary breast carcinoma; BREAST CANCER, FAMILIAL; Hereditary breast cancer. Identifiers: Orphanet 227535, MedGen C0346153, MONDO:0016419, OMIM 114480. Disease mechanism: loss of function.

Submission:

Labcorp Genetics (formerly Invitae), Labcorp
Classification: Uncertain significance for Familial cancer of breast. Last evaluated: 2025-07-25. Review status: criteria provided, single submitter. Criteria: Invitae Variant Classification Sherloc (09022015). Collection method: clinical testing. Allele origin: germline.
Comment: This sequence change replaces alanine, which is neutral and non-polar, with valine, which is neutral and non-polar, at codon 94 of the CHEK2 protein (p.Ala94Val). This variant is not present in population databases (gnomAD no frequency). This variant has not been reported in the literature in individuals affected with CHEK2-related conditions. ClinVar contains an entry for this variant (Variation ID: 942408). An algorithm developed to predict the effect of missense changes on protein structure and function (PolyPhen-2) suggests that this variant is likely to be disruptive. In summary, the available evidence is currently insufficient to determine the role of this variant in disease. Therefore, it has been classified as a Variant of Uncertain Significance.